The following is an entry in ClinVar:

NM_000404.4(GLB1):c.191A>G (p.Tyr64Cys)

Gene: GLB1 (galactosidase beta 1; minus strand). Cytogenetic location: 3p22.3.
Variant type: single nucleotide variant.
Coding change: c.191A>G on transcript NM_000404.4 (MANE Select); coding-DNA position 191, A replaced by G.
Protein change: p.Tyr64Cys; replaces tyrosine 64 with cysteine.
Molecular consequence: missense variant.
Genome position (GRCh38, 1-based): chr3:33,072,598, T>C on the plus strand (A>G on the coding strand, the complement: GLB1 is on the minus strand). VCF-style: chr3-33072598-T-C. GRCh37 (hg19) VCF-style: chr3-33114090-T-C.
Other names: c.191A>G (NM_000404.3); c.101A>G, p.Tyr34Cys (NM_001079811.3); c.191A>G, p.Tyr64Cys (NM_001135602.3, NM_001393580.1); c.335A>G, p.Tyr112Cys (NM_001317040.2); short protein forms Y112C, Y34C, Y64C.
Identifiers: ClinVar variation 958153 (VCV000958153.13), dbSNP rs759483184, ClinGen allele CA2299770.
Genomic context (GRCh38, chr3:33,072,598, plus strand): 5'-ACTTACGTCTGGATGGCGTTCAGCCCAGCCATCTTCATCTTCAGCAGCCGGTCCTTCCAG[T>C]AGAAGCGGGGCACACGGGAGTAGTGAATGCTTCCTGAGATGTAGCGAAATGGCTGGCCAT-3'
Protein context (NP_000395.3, residues 54-74): SIHYSRVPRF[Tyr64Cys]WKDRLLKMKM

ClinVar aggregate classification (germline): Conflicting classifications of pathogenicity. Review status: criteria provided, conflicting classifications (1 of 4 stars). 6 submissions from 6 submitters: Likely pathogenic (4); Uncertain significance (2). Last evaluated 2025-12-08.

Conditions:
GM1 gangliosidosis type 2. Also called: Gangliosidosis, Generalized GM1, Type 2; GANGLIOSIDOSIS, GENERALIZED GM1, JUVENILE TYPE; GANGLIOSIDOSIS, GENERALIZED GM1, TYPE II; GM1-GANGLIOSIDOSIS, TYPE II; Juvenile GM>1< gangliosidosis. Identifiers: Orphanet 354, Orphanet 79256, MedGen C0268272, MONDO:0009261, OMIM 230600.
GM1 gangliosidosis type 3. Also called: Gangliosidosis, Generalized GM1, Type 3; GANGLIOSIDOSIS, GENERALIZED GM1, ADULT TYPE; GANGLIOSIDOSIS, GENERALIZED GM1, CHRONIC TYPE; GANGLIOSIDOSIS, GENERALIZED GM1, TYPE III; GM1-GANGLIOSIDOSIS, TYPE III; Beta-galactosidase deficiency. Identifiers: Orphanet 79257, MedGen C0268273, MONDO:0009262, OMIM 230650.
Infantile GM1 gangliosidosis. Also called: Gangliosidosis, Generalized GM1, Type 1; GM1 gangliosidosis type 1; GM1-gangliosidosis, type I; Gangliosidosis, generalized GM1, infantile form; GLB1 deficiency. Identifiers: Orphanet 354, Orphanet 79255, MedGen C0268271, MONDO:0009260, OMIM 230500.
Mucopolysaccharidosis, MPS-IV-B (MPS4B). Also called: Mucopolysaccharidosis type IV B; Mucopolysaccharidosis Type IVB; Mucopolysaccharidosis type 4B; MORQUIO SYNDROME B; Mucopolysaccharidosis Type IVB (Morquio B Disease); Mucopolysaccharidosis type IVB (Morquio). Identifiers: Orphanet 309310, Orphanet 582, MedGen C0086652, MONDO:0009660, OMIM 253010.
GM1 gangliosidosis. Identifiers: Orphanet 354, MedGen C0085131, MONDO:0018149.
Inborn genetic diseases. Identifiers: MedGen C0950123, MeSH D030342.

Allele frequency attached by ClinVar (database versions not stated): gnomAD below 0.00001 and 0.00001; ExAC 0.00002; gnomAD exomes 0.00002.
gnomAD v4.1: 14 of 1,613,948 alleles (0.00087%); highest among the groups gnomAD compares: South Asian, 0.0066%; no homozygotes.

Submissions (6):

Labcorp Genetics (formerly Invitae), Labcorp
Classification: Likely pathogenic for Mucopolysaccharidosis, MPS-IV-B; GM1 gangliosidosis. Last evaluated: 2025-12-08. Review status: criteria provided, single submitter. Criteria: Invitae Variant Classification Sherloc (09022015). Collection method: clinical testing. Allele origin: germline.
Comment: This sequence change replaces tyrosine, which is neutral and polar, with cysteine, which is neutral and slightly polar, at codon 64 of the GLB1 protein (p.Tyr64Cys). This variant is present in population databases (rs759483184, gnomAD 0.01%). This missense change has been observed in individual(s) with GM1-gangliosidosis and/or Morquio B disease (PMID: 31497487, 34258138). ClinVar contains an entry for this variant (Variation ID: 958153). Invitae Evidence Modeling of protein sequence and biophysical properties (such as structural, functional, and spatial information, amino acid conservation, physicochemical variation, residue mobility, and thermodynamic stability) indicates that this missense variant is expected to disrupt GLB1 protein function with a positive predictive value of 95%. In summary, the currently available evidence indicates that the variant is pathogenic, but additional data are needed to prove that conclusively. Therefore, this variant has been classified as Likely Pathogenic.

Natera, Inc.
Classification: Likely pathogenic for Mucopolysaccharidosis, MPS-IV-B. Last evaluated: 2025-12-02. Review status: criteria provided, single submitter. Criteria: Natera Variant Classification Schema (03/2026). Collection method: clinical testing. Allele origin: germline.
Comment: The c.191A>G variant in GLB1 is a missense variant predicted to cause substitution of tyrosine to cysteine at amino acid 64. This variant is rare in the general population with a frequency below the threshold expected for the associated phenotype(s). This variant has been observed in one or more individuals affected with the associated recessive disease, as either homozygous or compound heterozygous with a second variant (PMID: 40069543, 31497487, 29396176). Computational prediction algorithms indicate this variant is likely to affect gene or protein function. Given the available evidence, this variant is classified as Likely Pathogenic.

Women's Health and Genetics/Laboratory Corporation of America, LabCorp
Classification: Uncertain significance. Last evaluated: 2025-08-22. Review status: criteria provided, single submitter. Criteria: LabCorp Variant Classification Summary - May 2015. Collection method: clinical testing. Allele origin: germline.
Comment: Variant summary: GLB1 c.191A>G (p.Tyr64Cys) results in a non-conservative amino acid change located in the Glycoside hydrolase 35, catalytic domain (IPR031330) of the encoded protein sequence. Algorithms developed to predict the effect of missense changes on protein structure and function all suggest that this variant is likely to be disruptive. The variant allele was found at a frequency of 2e-05 in 249478 control chromosomes. The available data on variant occurrences in the general population are insufficient to allow any conclusion about variant significance. c.191A>G has been observed in a compound heterozygous individual affected with Mucopolysaccharidosis Type IVB (Morquio Syndrome B) who displayed neurological manifestations (Guigliani_2019, Stockler-Ipsiroglu_2021) and in a compound heterozygous individual with dystonia, but for whom there was no additional clinical features reported/specified (Reale_2018). These data do not allow any conclusion about variant significance. To our knowledge, no experimental evidence demonstrating an impact on protein function has been reported. The following publications have been ascertained in the context of this evaluation (PMID: 31497487, 34258138, 29396176). ClinVar contains an entry for this variant (Variation ID: 958153). Based on the evidence outlined above, the variant was classified as uncertain significance.

Blueprint Genetics
Classification: Uncertain significance. Last evaluated: 2024-08-12. Review status: criteria provided, single submitter. Criteria: ACMG Guidelines, 2015. Collection method: clinical testing. Allele origin: germline.

Ambry Genetics
Classification: Likely pathogenic for Inborn genetic diseases. Last evaluated: 2024-07-08. Review status: criteria provided, single submitter. Criteria: Ambry Variant Classification Scheme 2023. Collection method: clinical testing. Allele origin: germline.
Comment: The c.191A>G (p.Y64C) alteration is located in exon 2 (coding exon 2) of the GLB1 gene. This alteration results from an A to G substitution at nucleotide position 191, causing the tyrosine (Y) at amino acid position 64 to be replaced by a cysteine (C). Based on data from gnomAD, the G allele has an overall frequency of 0.002% (5/249478) total alleles studied. The highest observed frequency was 0.01% (3/30600) of South Asian alleles. This variant has been identified in the homozygous state and/or in conjunction with other GLB1 variant(s) in individual(s) with features consistent with GLB1-related disorders (Reale, 2018; Giugliani, 2019; Stockler-Ipsiroglu, 2021). This amino acid position is highly conserved in available vertebrate species. This alteration is predicted to be deleterious by in silico analysis. Based on the available evidence, this alteration is classified as likely pathogenic.

Fulgent Genetics
Classification: Likely pathogenic for Infantile GM1 gangliosidosis; GM1 gangliosidosis type 2; GM1 gangliosidosis type 3; Mucopolysaccharidosis, MPS-IV-B. Last evaluated: 2024-03-17. Review status: criteria provided, single submitter. Criteria: ACMG Guidelines, 2015. Collection method: clinical testing. Allele origin: germline.

Literature cited by the submitters: PubMed 31497487 (cited by 4 submitters); PubMed 34258138 (cited by 3 submitters); PubMed 40069543 (cited by Natera, Inc.); PubMed 29396176 (cited by 3 submitters).